The following is an entry in ClinVar:

ClinVar aggregate classification (germline): Pathogenic/Likely pathogenic. Review status: criteria provided, multiple submitters, no conflicts (2 of 4 stars). 18 submissions from 18 submitters: Pathogenic (16); Likely pathogenic (1). 1 of the submissions does not count toward it. Last evaluated 2026-08-06.

Conditions:
ASL-related disorder. Also called: ASL-related condition.
Argininosuccinate lyase deficiency. Also called: Argininosuccinic aciduria; ARGININOSUCCINIC ACID LYASE DEFICIENCY; ASL DEFICIENCY. Identifiers: Orphanet 23, MedGen C0268547, MONDO:0008815, OMIM 207900, HP:0025630.

Allele frequency attached by ClinVar (database versions not stated): ExAC 0.00007; gnomAD 0.00014 and 0.00015; gnomAD exomes 0.00012 and 0.00009; TOPMed 0.00019.
gnomAD v4.1: 147 of 1,613,784 alleles (0.0091%); highest among the groups gnomAD compares: South Asian, 0.016%; no homozygotes.

Submissions 1 to 14 of 18:

OLLIN Analises Genomicas, OLLIN
Classification: Pathogenic for Argininosuccinate lyase deficiency. Last evaluated: 2026-08-06. Review status: criteria provided, single submitter. Criteria: ACMG Guidelines 2015 PMID 25741868. Collection method: clinical testing. Allele origin: germline. Inheritance: Autosomal recessive inheritance.
Comment: This missense variant, located in exon 12 (of 17), has been reported in ClinVar (accession VCV002731175.3), in gnomAD with an allele frequency of 0.0091%, and in the scientific literature, in compound heterozygosity, in individuals with ASL related disorders (PMID: 11747432, 9045711, 12384776, 24166829). Functional studies suggest that this variant may affect protein function, and in silico analysis predicts a deleterious effect (PMID: 11747432). According to the currently available evidence, this variant has been classified as pathogenic (PS3_P, PM2_P, PM3_VS, PP3_S).

Labcorp Genetics (formerly Invitae), Labcorp
Classification: Pathogenic for Argininosuccinate lyase deficiency. Last evaluated: 2026-02-01. Review status: criteria provided, single submitter. Criteria: Invitae Variant Classification Sherloc (09022015). Collection method: clinical testing. Allele origin: germline.
Comment: This sequence change replaces glutamine, which is neutral and polar, with arginine, which is basic and polar, at codon 286 of the ASL protein (p.Gln286Arg). This variant is present in population databases (rs28941472, gnomAD 0.02%). This missense change has been observed in individuals with argininosuccinate lyase deficiency (PMID: 12408190, 19703900, 21667091, 23430928). ClinVar contains an entry for this variant (Variation ID: 2399). Invitae Evidence Modeling of protein sequence and biophysical properties (such as structural, functional, and spatial information, amino acid conservation, physicochemical variation, residue mobility, and thermodynamic stability) indicates that this missense variant is expected to disrupt ASL protein function with a positive predictive value of 95%. Experimental studies have shown that this missense change affects ASL function (PMID: 9686346, 11747433, 19703900, 21667091). For these reasons, this variant has been classified as Pathogenic.

Natera, Inc.
Classification: Pathogenic for Argininosuccinate lyase deficiency. Last evaluated: 2025-12-01. Review status: criteria provided, single submitter. Criteria: Natera Variant Classification Schema (03/2026). Collection method: clinical testing. Allele origin: germline.
Comment: The c.857A>G variant in ASL is a missense variant predicted to cause substitution of glutamine to arginine at amino acid 286. This variant is rare in the general population with a frequency below the threshold expected for the associated phenotype(s). This variant has been observed in one or more individuals affected with the associated recessive disease, as either homozygous or compound heterozygous with a second variant (PMID: 24166829). Given the available evidence, this variant is classified as Pathogenic.

Otogenetics
Classification: Pathogenic for Argininosuccinate lyase deficiency. Last evaluated: 2025-09-12. Review status: criteria provided, single submitter. Criteria: ACMG Guidelines, 2015. Collection method: clinical testing. Allele origin: germline.
Comment: PS3: Well-established in vitro and in vivo functional studies supportive of a damaging effect on the gene and the gene product (PMID 9686346, 19703900, 21667091); PM1: Non-truncating non-synonymous variant located in a critical and well-established functional domain the argininosuccinate lyase (PMID 11092456, 11747432); PM2: Maximum gnomAD MAF of 0.0239% in European-Finnish (FIN) subpopulation (<0.19% threshold); PM3: Variant reported in trans in with another pathogenic variant (ASL c.578G>A, p.Arg193Gln) in an affected individual (PMID: 12408190); PP3: In-silico models predict deleterious effect (Revel = 0.97, BayesDel = 0.57)

First Genomix Gene Laboratory, Genetic Diagnostics Department
Classification: Pathogenic for Argininosuccinate lyase deficiency. Last evaluated: 2025-04-30. Review status: criteria provided, single submitter. Criteria: ACMG Guidelines, 2015. Collection method: clinical testing. Allele origin: germline. Inheritance: Autosomal recessive inheritance. Affected: no. Observed: 1 variant allele.

3billion
Classification: Pathogenic for Argininosuccinate lyase deficiency. Last evaluated: 2025-03-31. Review status: criteria provided, single submitter. Criteria: ACMG Guidelines, 2015. Collection method: clinical testing. Allele origin: germline. Affected: yes.
Comment: The variant is observed at an extremely low frequency in the gnomAD v4.1.0 dataset (total allele frequency: 0.009%). Predicted Consequence/Location: Missense variant Functional studies provide strong evidence of the variant having a damaging effect on the gene or gene product (PMID: 19703900). In silico tool predictions suggest damaging effect of the variant on gene or gene product [REVEL: 0.97 (>=0.6, sensitivity 0.68 and specificity 0.92); 3Cnet: 0.99 (> 0.75, sensitivity 0.96 and precision 0.92)]. The same nucleotide change resulting in the same amino acid change has been previously reported as pathogenic/likely pathogenic with strong evidence (ClinVar ID: VCV000002399). A different missense change at the same codon (p.Gln286Pro) has been reported to be associated with ASL-related disorder (ClinVar ID: VCV002731175). Therefore, this variant is classified as Pathogenic according to the recommendation of ACMG/AMP guideline.

Blueprint Genetics
Classification: Pathogenic for ASL-related disorders. Last evaluated: 2024-09-18. Review status: criteria provided, single submitter. Criteria: ACMG Guidelines, 2015. Collection method: clinical testing. Allele origin: germline. Affected: yes. Observed: 5 variant alleles.

Fulgent Genetics
Classification: Pathogenic for Argininosuccinate lyase deficiency. Last evaluated: 2024-05-29. Review status: criteria provided, single submitter. Criteria: ACMG Guidelines, 2015. Collection method: clinical testing. Allele origin: germline.

Baylor Genetics
Classification: Pathogenic for Argininosuccinate lyase deficiency. Last evaluated: 2024-03-30. Review status: criteria provided, single submitter. Criteria: ACMG Guidelines, 2015. Collection method: clinical testing. Allele origin: unknown.

GeneDx
Classification: Pathogenic. Last evaluated: 2024-02-22. Review status: criteria provided, single submitter. Criteria: GeneDx Variant Classification Process June 2021. Collection method: clinical testing. Allele origin: germline. Affected: yes.
Comment: Reported many times in unrelated patients with argininosuccinic aciduria and has been identified on approximately 8% of ASL pathogenic alleles (PMID: 12384776); In silico analysis supports that this missense variant has a deleterious effect on protein structure/function; This variant is associated with the following publications: (PMID: 22231378, 12408190, 25778938, 11747433, 21667091, 24166829, 9686346, 30285816, 31943503, 17326097, 31980526, 34426522, 32778825, 31589614, 38198573, 36270249, 9045711, 12384776, 11747432)

Laboratory of Medical Genetics, National & Kapodistrian University of Athens
Classification: Pathogenic for Argininosuccinate lyase deficiency. Last evaluated: 2024-02-01. Review status: criteria provided, single submitter. Criteria: ACMG Guidelines, 2015. Collection method: curation. Allele origin: germline. Affected: no.

Revvity Omics, Revvity
Classification: Pathogenic for Argininosuccinate lyase deficiency. Last evaluated: 2022-01-18. Review status: criteria provided, single submitter. Criteria: ACMG Guidelines, 2015. Collection method: clinical testing. Allele origin: germline.

Genetics and Genomic Medicine Centre, NeuroGen Healthcare, NeuroGen Healthcare
Classification: Likely pathogenic for Argininosuccinate lyase deficiency. Last evaluated: 2020-03-15. Review status: criteria provided, single submitter. Criteria: Submitter's publication. Collection method: clinical testing. Allele origin: unknown. Affected: no.

Myriad Genetics, Inc.
Classification: Pathogenic for Argininosuccinate lyase deficiency. Last evaluated: 2019-12-26. Review status: criteria provided, single submitter. Criteria: Myriad Women's Health Autosomal Recessive and X-Linked Classification Criteria (2019). Collection method: clinical testing. Allele origin: unknown.
Comment: NM_001024943.1(ASL):c.857A>G(Q286R) is classified as pathogenic in the context of argininosuccinic aciduria. Sources cited for classification include the following: PMID 11747433, 24166829, 15273245, 9686346, 11747432, 19703900, 21667091 and 25778938. Classification of NM_001024943.1(ASL):c.857A>G(Q286R) is based on the following criteria: This is a well-established pathogenic variant in the literature that has been observed more frequently in patients with clinical diagnoses than in healthy populations. Please note: this variant was assessed in the context of healthy population screening.

NM_000048.4(ASL):c.857A>G (p.Gln286Arg)

Gene: ASL (argininosuccinate lyase; plus strand). Cytogenetic location: 7q11.21.
Variant type: single nucleotide variant.
Coding change: c.857A>G on transcript NM_000048.4 (MANE Select); coding-DNA position 857, A replaced by G.
Protein change: p.Gln286Arg; replaces glutamine 286 with arginine.
Molecular consequence: missense variant.
Genome position (GRCh38, 1-based): chr7:66,089,114, A>G. VCF-style: chr7-66089114-A-G. GRCh37 (hg19) VCF-style: chr7-65554101-A-G.
Other names: p.Q286R:CAA>CAG; p.(Gln286Arg); c.857A>G, p.Gln286Arg (NM_001024943.2, NM_001024944.2); c.779A>G, p.Gln260Arg (NM_001024946.2); short protein forms Q286R, Q260R.
Identifiers: ClinVar variation 2399 (VCV000002399.37), dbSNP rs28941472, ClinGen allele CA252263.